The following continues an entry in ClinVar:

NM_000053.4(ATP7B):c.2333G>T (p.Arg778Leu)

Gene: ATP7B. ClinVar aggregate classification (germline): Pathogenic. Pathogenic (23).

Submissions 22 to 27 of 27:

Ambry Genetics
Classification: Pathogenic for Inborn genetic diseases. Last evaluated: 2014-12-23. Review status: criteria provided, single submitter. Criteria: Ambry Variant Classification Scheme 2023. Collection method: clinical testing. Allele origin: germline.
Comment: The p.R778L pathogenic mutation (also known as c.2333G>T), located in coding exon 8 of the ATP7B gene, results from a G to T substitution at nucleotide position 2333. The arginine at codon 778 is replaced by leucine, an amino acid with dissimilar properties.This pathogenic alteration has been observed in both the homozygous and compound heterozygous state in patients with a biochemical diagnosis of Wilson disease (Thomas GR, et al. Nat. Genet. 1995;9(2):210-7). Functional studies have determined that this mutation disrupts normal localization of the ATP7B protein, has reduced copper transport ability, and causes the affected protein to fail to localize into the Golgi apparatus, possibly due to misfolding (Forbes JR, et al. Hum. Mol. Genet. 2000;9(13):1927-35 and van den Berghe PV, et al. Hepatology 2009;50(6):1783-95). In addition, population studies have found this alteration to be a founder mutation in several Asian populations (Gu S, et al. PLoS ONE 2013;8(7):e66526 and Hui J, et al. World J Pediatr 2013;9(4):361-4). Based on the supporting evidence, p.R778L is interpreted as a disease-causing mutation.

Juno Genomics, Hangzhou Juno Genomics, Inc
Classification: Pathogenic for Wilson disease. Review status: criteria provided, single submitter. Criteria: ACMG Guidelines, 2015. Collection method: clinical testing. Allele origin: germline. Affected: yes.
Comment: Well-established in vitro or in vivo functional studies supportive of a damaging effect on the gene or gene product.;For recessive disorders, detected in trans with a pathogenic variant.;Patient's phenotype or family history is highly specific for a disease with a single genetic etiology.

SingHealth Duke-NUS Institute of Precision Medicine
Classification: Pathogenic for Wilson disease. Last evaluated: 2017-06-07. Review status: no assertion criteria provided. Collection method: curation. Allele origin: germline. Affected: no. Not counted in ClinVar's aggregate classification.

OMIM
Classification: Pathogenic for WILSON DISEASE. Last evaluated: 2011-09-01. Review status: no assertion criteria provided. Collection method: literature only. Allele origin: germline. Not counted in ClinVar's aggregate classification.

GeneReviews
No classification provided. Condition: Wilson disease. Review status: no classification provided. Collection method: literature only. Allele origin: unknown. Not counted in ClinVar's aggregate classification.

Chongqing Key Laboratory of Child Rare Diseases in Infection and Immunity, Children’s Hospital of Chongqing Medical University
Classification: Uncertain significance for Wilson disease. Last evaluated: 2024-01-01. Review status: flagged submission. Criteria: ACMG Guidelines, 2015. Collection method: clinical testing. Allele origin: germline. Inheritance: Autosomal recessive inheritance. Affected: yes. Not counted in ClinVar's aggregate classification.
Comment: Classified as Uncertain significance according to the ACMG/AMP 2015 guidelines (PMID:25741868). The classification was based on the available submitted evidence for Wilson disease (OMIM:277900), including clinical-testing observations, variant consequence/protein annotation, and published or ClinVar evidence where available. Supporting information considered: variant annotation: p.Arg778Leu; Missense; Protein domain: TM-associated / cytosolic loop; submitted notation: NM_000053.4:c.2333G>T (p.Arg778Leu); source variant type: Missense; source domain: TM-associated / cytosolic loop; allele count n=230: 36.
ClinVar note: Reason: Outlier claim with insufficient supporting evidence

Literature cited by the submitters: PubMed 10453196 (cited by 3 submitters); PubMed 11405812 (cited by 8 submitters); PubMed 25086856 (cited by 3 submitters); PubMed 25988284 (cited by 3 submitters); PubMed 27398169 (cited by 5 submitters); PubMed 28212618 (cited by 3 submitters); PubMed 9837819 (cited by 4 submitters); PubMed 10942420 (cited by 7 submitters); PubMed 19937698 (cited by 8 submitters); PubMed 11243728 (cited by Labcorp Genetics (formerly Invitae), Labcorp); PubMed 11479773 (cited by Labcorp Genetics (formerly Invitae), Labcorp and Laboratory for Molecular Medicine, Mass General Brigham Personalized Medicine); PubMed 16998622 (cited by Labcorp Genetics (formerly Invitae), Labcorp); PubMed 17160357 (cited by Labcorp Genetics (formerly Invitae), Labcorp); PubMed 23518715 (cited by Labcorp Genetics (formerly Invitae), Labcorp); PubMed 27022412 (cited by Natera, Inc.); PubMed 12544487 (cited by 3 submitters); PubMed 7626145 (cited by 5 submitters); PubMed 8533760 (cited by 3billion); PubMed 33668890 (cited by 3 submitters); PubMed 34877514 (cited by All of Us Research Program, National Institutes of Health and Color Diagnostics, LLC DBA Color Health); PubMed 35220961 (cited by All of Us Research Program, National Institutes of Health and Color Diagnostics, LLC DBA Color Health); PubMed 35446965 (cited by All of Us Research Program, National Institutes of Health and Color Diagnostics, LLC DBA Color Health); PubMed 32911910 (cited by AiLife Diagnostics); PubMed 19783880 (cited by AiLife Diagnostics and Illumina Laboratory Services, Illumina); PubMed 29961769 (cited by AiLife Diagnostics); PubMed 30366773 (cited by AiLife Diagnostics); PubMed 30655162 (cited by AiLife Diagnostics); PubMed 33763395 (cited by AiLife Diagnostics); PubMed 23843956 (cited by AiLife Diagnostics and Ambry Genetics); PubMed 31743419 (cited by AiLife Diagnostics); PubMed 32794656 (cited by AiLife Diagnostics); PubMed 10721669 (cited by 3 submitters); PubMed 31637888 (cited by AiLife Diagnostics); PubMed 23235335 (cited by AiLife Diagnostics); PubMed 29979436 (cited by AiLife Diagnostics); PubMed 31010795 (cited by AiLife Diagnostics); PubMed 29181760 (cited by AiLife Diagnostics); PubMed 24878384 (cited by AiLife Diagnostics); PubMed 30558096 (cited by AiLife Diagnostics); PubMed 22692182 (cited by AiLife Diagnostics and Ambry Genetics); PubMed 24253677 (cited by AiLife Diagnostics); PubMed 31474638 (cited by AiLife Diagnostics); PubMed 12812649 (cited by AiLife Diagnostics); PubMed 30384382 (cited by AiLife Diagnostics); PubMed 29907136 (cited by AiLife Diagnostics); PubMed 31783295 (cited by AiLife Diagnostics); PubMed 30275481 (cited by AiLife Diagnostics); PubMed 26032686 (cited by 3 submitters); PubMed 31804371 (cited by AiLife Diagnostics); PubMed 17587212 (cited by Myriad Genetics, Inc. and OMIM); PubMed 21219664 (cited by Women's Health and Genetics/Laboratory Corporation of America, LabCorp); PubMed 18652531 (cited by Women's Health and Genetics/Laboratory Corporation of America, LabCorp); PubMed 26829729 (cited by Illumina Laboratory Services, Illumina); PubMed 24146181 (cited by Ambry Genetics); PubMed 9554743 (cited by OMIM); PubMed 14986826 (cited by OMIM); PubMed 19419418 (cited by OMIM); PubMed 21796144 (cited by OMIM); PubMed 20301685 (cited by GeneReviews); NCBI Bookshelf NBK1512 (cited by GeneReviews).